The following is an entry in ClinVar:

NM_001943.5(DSG2):c.1840G>A (p.Ala614Thr)

Gene: DSG2 (desmoglein 2; plus strand). Cytogenetic location: 18q12.1.
Variant type: single nucleotide variant.
Coding change: c.1840G>A on transcript NM_001943.5 (MANE Select); coding-DNA position 1840, G replaced by A.
Protein change: p.Ala614Thr; replaces alanine 614 with threonine.
Molecular consequence: missense variant.
Genome position (GRCh38, 1-based): chr18:31,538,939, G>A. VCF-style: chr18-31538939-G-A. GRCh37 (hg19) VCF-style: chr18-29118902-G-A.
Other names: short protein forms A614T.
Identifiers: ClinVar variation 4706491 (VCV004706491.2).

ClinVar aggregate classification (germline): Uncertain significance. Review status: criteria provided, multiple submitters, no conflicts (2 of 4 stars). 2 submissions from 2 submitters: Uncertain significance (2). Last evaluated 2026-02-23.

Conditions:
Arrhythmogenic right ventricular dysplasia 10. Also called: Arrhythmogenic right ventricular dysplasia/cardiomyopathy, type 10; Arrhythmogenic Right Ventricular Dysplasia/Cardiomyopathy10; ARRHYTHMOGENIC RIGHT VENTRICULAR DYSPLASIA, FAMILIAL, 10. Identifiers: MedGen C1857777, MONDO:0012434, OMIM 610193.

gnomAD v4.1: 1 of 1,614,028 alleles (0.000062%); highest among the groups gnomAD compares: South Asian, 0.0011%; no homozygotes.

Submissions (2):

GeneDx
Classification: Uncertain significance. Last evaluated: 2026-02-23. Review status: criteria provided, single submitter. Criteria: GeneDx Variant Classification Process June 2021. Collection method: clinical testing. Allele origin: germline.
Comment: Not observed at significant frequency in large population cohorts (gnomAD); In silico analysis supports that this missense variant has a deleterious effect on protein structure/function; Has not been previously published as pathogenic or benign to our knowledge

Labcorp Genetics (formerly Invitae), Labcorp
Classification: Uncertain significance for Arrhythmogenic right ventricular dysplasia 10. Last evaluated: 2025-02-06. Review status: criteria provided, single submitter. Criteria: Invitae Variant Classification Sherloc (09022015). Collection method: clinical testing. Allele origin: germline.
Comment: This sequence change replaces alanine, which is neutral and non-polar, with threonine, which is neutral and polar, at codon 614 of the DSG2 protein (p.Ala614Thr). This variant is not present in population databases (gnomAD no frequency). This variant has not been reported in the literature in individuals affected with DSG2-related conditions. Invitae Evidence Modeling of protein sequence and biophysical properties (such as structural, functional, and spatial information, amino acid conservation, physicochemical variation, residue mobility, and thermodynamic stability) has been performed for this missense variant. However, the output from this modeling did not meet the statistical confidence thresholds required to predict the impact of this variant on DSG2 protein function. In summary, the available evidence is currently insufficient to determine the role of this variant in disease. Therefore, it has been classified as a Variant of Uncertain Significance.